The following is an entry in ClinVar:

ClinVar aggregate classification (germline): Uncertain significance. Review status: criteria provided, multiple submitters, no conflicts (2 of 4 stars). 2 submissions from 2 submitters: Uncertain significance (2). Last evaluated 2025-11-01.

Conditions:
Inborn genetic diseases. Identifiers: MedGen C0950123, MeSH D030342.

Allele frequency attached by ClinVar (database versions not stated): ExAC 0.00007; TOPMed 0.00010; gnomAD 0.00013; gnomAD exomes 0.00015; 1000 Genomes Project 30x 0.00016; ESP Exome Variant Server 0.00026.
gnomAD v4.1: 250 of 1,614,090 alleles (0.015%); highest among the groups gnomAD compares: Non-Finnish European, 0.019%; 1 homozygote.

Submissions (2):

CeGaT Center for Human Genetics Tuebingen
Classification: Uncertain significance. Last evaluated: 2025-11-01. Review status: criteria provided, single submitter. Criteria: CeGaT Center For Human Genetics Tuebingen Variant Classification Criteria Version 2. Collection method: clinical testing. Allele origin: germline. Affected: yes. Observed: 1 variant allele.
Comment: CEP152: PM2:Supporting, BP4

Ambry Genetics
Classification: Uncertain significance for Inborn genetic diseases. Last evaluated: 2024-01-30. Review status: criteria provided, single submitter. Criteria: Ambry Variant Classification Scheme 2023. Collection method: clinical testing. Allele origin: germline.

NM_001194998.2(CEP152):c.3772T>C (p.Cys1258Arg)

Gene: CEP152 (centrosomal protein 152; minus strand). Cytogenetic location: 15q21.1.
Variant type: single nucleotide variant.
Coding change: c.3772T>C on transcript NM_001194998.2 (MANE Select); coding-DNA position 3772, T replaced by C.
Protein change: p.Cys1258Arg; replaces cysteine 1258 with arginine.
Molecular consequence: missense variant.
Genome position (GRCh38, 1-based): chr15:48,744,303, A>G on the plus strand (T>C on the coding strand, the complement: CEP152 is on the minus strand). VCF-style: chr15-48744303-A-G. GRCh37 (hg19) VCF-style: chr15-49036500-A-G.
Other names: c.3604T>C, p.Cys1202Arg (NM_014985.4); short protein forms C1202R, C1258R.
Identifiers: ClinVar variation 2274839 (VCV002274839.8), dbSNP rs200764200, ClinGen allele CA7548277.